The following is an entry in ClinVar:

NM_024408.4(NOTCH2):c.1997A>G (p.Tyr666Cys)

Gene: NOTCH2 (notch receptor 2; minus strand). Cytogenetic location: 1p12.
Variant type: single nucleotide variant.
Coding change: c.1997A>G on transcript NM_024408.4 (MANE Select); coding-DNA position 1997, A replaced by G.
Protein change: p.Tyr666Cys; replaces tyrosine 666 with cysteine.
Molecular consequence: missense variant.
Genome position (GRCh38, 1-based): chr1:119,959,421, T>C on the plus strand (A>G on the coding strand, the complement: NOTCH2 is on the minus strand). VCF-style: chr1-119959421-T-C. GRCh37 (hg19) VCF-style: chr1-120502044-T-C.
Other names: c.1997A>G, p.Tyr666Cys (NM_001200001.2); short protein forms Y666C.
Identifiers: ClinVar variation 4992890 (VCV004992890.1).

ClinVar aggregate classification (germline): Uncertain significance (1 of 4 stars; one submission).

Conditions:
NOTCH2-related disorder. Also called: NOTCH2-related condition.

gnomAD v4.1: 1 of 1,609,860 alleles (0.000062%); highest among the groups gnomAD compares: Non-Finnish European, 0.000085%; no homozygotes.

Submission:

PreventionGenetics, part of Exact Sciences
Classification: Uncertain significance for NOTCH2-related condition. Last evaluated: 2026-06-30. Review status: criteria provided, single submitter. Criteria: ACMG Guidelines, 2015. Collection method: clinical testing. Allele origin: germline.
Comment: The NOTCH2 c.1997A>G variant is predicted to result in the amino acid substitution p.Tyr666Cys. This variant was reported in an individual with Cleft palate who inherited from their presumably unaffected father (Dąbrowska et al. 2023. PubMed ID: 36902838). This variant has not been reported in a large population database (gnomAD), indicating this variant is rare. At this time, the clinical significance of this variant is uncertain due to the absence of conclusive functional and genetic evidence.